The following is an entry in ClinVar:

NM_015425.6(POLR1A):c.4896T>C (p.Tyr1632=)

Gene: POLR1A (RNA polymerase I subunit A; minus strand). Cytogenetic location: 2p11.2.
Variant type: single nucleotide variant.
Coding change: c.4896T>C on transcript NM_015425.6 (MANE Select); coding-DNA position 4896, T replaced by C.
Protein change: p.Tyr1632=; no amino-acid change (tyrosine 1632 retained).
Molecular consequence: synonymous variant.
Genome position (GRCh38, 1-based): chr2:86,028,595, A>G on the plus strand (T>C on the coding strand, the complement: POLR1A is on the minus strand). VCF-style: chr2-86028595-A-G. GRCh37 (hg19) VCF-style: chr2-86255718-A-G.
Identifiers: ClinVar variation 3004389 (VCV003004389.3), dbSNP rs780504459, ClinGen allele CA1745356.

ClinVar aggregate classification (germline): Uncertain significance (1 of 4 stars; one submission).

Allele frequency attached by ClinVar (database versions not stated): gnomAD 0.00001; ExAC 0.00002; gnomAD exomes 0.00003.
gnomAD v4.1: 22 of 1,611,294 alleles (0.0014%); highest among the groups gnomAD compares: South Asian, 0.021%; 3 homozygotes.

Submission:

Labcorp Genetics (formerly Invitae), Labcorp
Classification: Uncertain significance. Last evaluated: 2023-07-28. Review status: criteria provided, single submitter. Criteria: Invitae Variant Classification Sherloc (09022015). Collection method: clinical testing. Allele origin: germline.
Comment: This sequence change affects codon 1632 of the POLR1A mRNA. It is a 'silent' change, meaning that it does not change the encoded amino acid sequence of the POLR1A protein. It affects a nucleotide within the consensus splice site. This variant is present in population databases (rs780504459, gnomAD 0.01%). This variant has not been reported in the literature in individuals affected with POLR1A-related conditions. Algorithms developed to predict the effect of sequence changes on RNA splicing suggest that this variant is not likely to affect RNA splicing. In summary, the available evidence is currently insufficient to determine the role of this variant in disease. Therefore, it has been classified as a Variant of Uncertain Significance.